The following is an entry in ClinVar:

NM_001040716.2(PC):c.2413_2415delinsTGTATAAGAGACAG (p.Thr805fs)

Gene: PC (pyruvate carboxylase; minus strand). Cytogenetic location: 11q13.2.
Variant type: Indel.
Coding change: c.2413_2415delinsTGTATAAGAGACAG on transcript NM_001040716.2 (MANE Select); coding-DNA positions 2413 to 2415, ACT replaced by TGTATAAGAGACAG.
Protein change: p.Thr805fs; shifts the reading frame from threonine 805.
Molecular consequence: frameshift variant.
Genome position (GRCh38, 1-based): chr11:66,850,732-66,850,734, AGT replaced by CTGTCTCTTATACA on the plus strand (ACT replaced by TGTATAAGAGACAG on the coding strand, the reverse complement: PC is on the minus strand). VCF-style: chr11-66850732-AGT-CTGTCTCTTATACA. GRCh37 (hg19) VCF-style: chr11-66618203-AGT-CTGTCTCTTATACA.
Other names: c.2413_2415delinsTGTATAAGAGACAG, p.Thr805fs (NM_000920.4, NM_022172.3); short protein forms T805fs.
Identifiers: ClinVar variation 1724418 (VCV001724418.2), dbSNP rs2495437841, ClinGen allele CA2580084580.

ClinVar aggregate classification (germline): Likely pathogenic (1 of 4 stars; one submission).

Conditions:
Pyruvate carboxylase deficiency. Also called: ATAXIA WITH LACTIC ACIDOSIS II; LEIGH NECROTIZING ENCEPHALOPATHY DUE TO PYRUVATE CARBOXYLASE DEFICIENCY; LEIGH SYNDROME DUE TO PYRUVATE CARBOXYLASE DEFICIENCY; PC DEFICIENCY; Pyruvate Carboxylase Deficiency Disease. Identifiers: Orphanet 3008, MedGen C0034341, MONDO:0009949, OMIM 266150.

Submission:

Myriad Genetics, Inc.
Classification: Likely pathogenic for Pyruvate carboxylase deficiency. Last evaluated: 2022-02-14. Review status: criteria provided, single submitter. Criteria: Myriad Women's Health Autosomal Recessive and X-Linked Classification Criteria (2021). Collection method: clinical testing. Allele origin: unknown.
Comment: NM_000920.3(PC):c.2413_2415del3ins14(T805Cfs*54) is expected to be pathogenic in the context of pyruvate carboxylase deficiency. This variant is predicted to lead to an abnormal or absent protein product due to the creation of a premature termination codon in PC, a gene where loss-of-function variants are known to be pathogenic. Please note: this variant was assessed in the context of healthy population screening.